The following is an entry in ClinVar:

NM_006361.6(HOXB13):c.697C>A (p.Arg233=)

Gene: HOXB13 (homeobox B13; minus strand). Cytogenetic location: 17q21.32.
Variant type: single nucleotide variant.
Coding change: c.697C>A on transcript NM_006361.6 (MANE Select); coding-DNA position 697, C replaced by A.
Protein change: p.Arg233=; no amino-acid change (arginine 233 retained).
Molecular consequence: synonymous variant.
Genome position (GRCh38, 1-based): chr17:48,726,948, G>T on the plus strand (C>A on the coding strand, the complement: HOXB13 is on the minus strand). VCF-style: chr17-48726948-G-T. GRCh37 (hg19) VCF-style: chr17-46804310-G-T.
Identifiers: ClinVar variation 826741 (VCV000826741.13), dbSNP rs778481913, ClinGen allele CA8633925.

ClinVar aggregate classification (germline): Benign/Likely benign. Review status: criteria provided, multiple submitters, no conflicts (2 of 4 stars). 3 submissions from 3 submitters: Benign (1); Likely benign (2). Last evaluated 2025-03-14.

Conditions:
Hereditary cancer-predisposing syndrome. Also called: Neoplastic Syndromes, Hereditary; Tumor predisposition; Hereditary neoplastic syndrome; Hereditary Cancer Syndrome. Identifiers: Orphanet 140162, MedGen C0027672, MeSH D009386, MONDO:0015356.
Prostate cancer, hereditary, 9 (HPC9). Identifiers: Orphanet 1331, MedGen C1970250, MONDO:0012597, OMIM 610997.

Allele frequency attached by ClinVar (database versions not stated): TOPMed 0.00001.
gnomAD v4.1: 2 of 1,613,612 alleles (0.00012%); highest among the groups gnomAD compares: Admixed American, 0.0017%; no homozygotes.

Submissions (3):

Labcorp Genetics (formerly Invitae), Labcorp
Classification: Likely benign. Last evaluated: 2025-03-14. Review status: criteria provided, single submitter. Criteria: Invitae Variant Classification Sherloc (09022015). Collection method: clinical testing. Allele origin: germline.

Myriad Genetics, Inc.
Classification: Benign for Prostate cancer, hereditary, 9. Last evaluated: 2024-10-30. Review status: criteria provided, single submitter. Criteria: Myriad Autosomal Dominant, Autosomal Recessive and X-Linked Classification Criteria (2023). Collection method: clinical testing. Allele origin: unknown.
Comment: This variant is considered benign. This variant is a silent/synonymous amino acid change and it is not expected to impact splicing.

Ambry Genetics
Classification: Likely benign for Hereditary cancer-predisposing syndrome. Last evaluated: 2019-01-11. Review status: criteria provided, single submitter. Criteria: Ambry Variant Classification Scheme 2023. Collection method: clinical testing. Allele origin: germline.